The following is an entry in ClinVar:

NM_017617.5(NOTCH1):c.4244T>G (p.Leu1415Arg)

Gene: NOTCH1 (notch receptor 1; minus strand). Cytogenetic location: 9q34.3.
Variant type: single nucleotide variant.
Coding change: c.4244T>G on transcript NM_017617.5 (MANE Select); coding-DNA position 4244, T replaced by G.
Protein change: p.Leu1415Arg; replaces leucine 1415 with arginine.
Molecular consequence: missense variant.
Genome position (GRCh38, 1-based): chr9:136,505,652, A>C on the plus strand (T>G on the coding strand, the complement: NOTCH1 is on the minus strand). VCF-style: chr9-136505652-A-C. GRCh37 (hg19) VCF-style: chr9-139400104-A-C.
Other names: short protein forms L1415R.
Identifiers: ClinVar variation 3406895 (VCV003406895.1).

ClinVar aggregate classification (germline): Uncertain significance (1 of 4 stars; one submission).

Conditions:
Familial thoracic aortic aneurysm and aortic dissection (TAAD). Also called: Thoracic aortic aneurysms and dissections. Identifiers: Orphanet 91387, MedGen C4707243, MONDO:0019625.

Submission:

Ambry Genetics
Classification: Uncertain significance for Familial thoracic aortic aneurysm and aortic dissection. Last evaluated: 2024-10-28. Review status: criteria provided, single submitter. Criteria: Ambry Variant Classification Scheme 2023. Collection method: clinical testing. Allele origin: germline.
Comment: The p.L1415R variant (also known as c.4244T>G), located in coding exon 25 of the NOTCH1 gene, results from a T to G substitution at nucleotide position 4244. The leucine at codon 1415 is replaced by arginine, an amino acid with dissimilar properties. This amino acid position is conserved. In addition, this alteration is predicted to be tolerated by in silico analysis. Based on the available evidence, the clinical significance of this variant remains unclear.